The following is an entry in ClinVar:

NM_172351.3(CD46):c.389+1G>A

Gene: CD46 (CD46 molecule; plus strand). Cytogenetic location: 1q32.2.
Variant type: single nucleotide variant.
Coding change: c.389+1G>A on transcript NM_172351.3 (MANE Select); the canonical splice donor site of the intron after coding-DNA position 389, G replaced by A.
Molecular consequence: splice donor variant.
Genome position (GRCh38, 1-based): chr1:207,757,643, G>A. VCF-style: chr1-207757643-G-A. GRCh37 (hg19) VCF-style: chr1-207930988-G-A.
Other names: c.389+1G>A (NM_002389.4, NM_172359.3, NM_153826.4 and 8 more transcripts).
Identifiers: ClinVar variation 1500521 (VCV001500521.6), dbSNP rs2102542129, ClinGen allele CA344548567.

ClinVar aggregate classification (germline): Likely pathogenic (1 of 4 stars; one submission).

Submission:

Labcorp Genetics (formerly Invitae), Labcorp
Classification: Likely pathogenic. Last evaluated: 2021-07-19. Review status: criteria provided, single submitter. Criteria: Invitae Variant Classification Sherloc (09022015). Collection method: clinical testing. Allele origin: germline.
Comment: In summary, the currently available evidence indicates that the variant is pathogenic, but additional data are needed to prove that conclusively. Therefore, this variant has been classified as Likely Pathogenic. Algorithms developed to predict the effect of sequence changes on RNA splicing suggest that this variant may disrupt the consensus splice site. This variant has not been reported in the literature in individuals affected with CD46-related conditions. This variant is not present in population databases (ExAC no frequency). This sequence change affects a donor splice site in intron 3 of the CD46 gene. It is expected to disrupt RNA splicing. Variants that disrupt the donor or acceptor splice site typically lead to a loss of protein function (PMID: 16199547), and loss-of-function variants in CD46 are known to be pathogenic (PMID: 16621965, 23431077).

Literature cited by the submitters: PubMed 16199547; PubMed 16621965; PubMed 23431077.